The following is an entry in ClinVar:

NM_003620.4(PPM1D):c.1724C>T (p.Ser575Phe)

Gene: PPM1D (protein phosphatase, Mg2+/Mn2+ dependent 1D; plus strand). Cytogenetic location: 17q23.2.
Variant type: single nucleotide variant.
Coding change: c.1724C>T on transcript NM_003620.4 (MANE Select); coding-DNA position 1724, C replaced by T.
Protein change: p.Ser575Phe; replaces serine 575 with phenylalanine.
Molecular consequence: missense variant.
Genome position (GRCh38, 1-based): chr17:60,663,458, C>T. VCF-style: chr17-60663458-C-T. GRCh37 (hg19) VCF-style: chr17-58740819-C-T.
Other names: short protein forms S575F.
Identifiers: ClinVar variation 2485671 (VCV002485671.5), dbSNP rs1000741337, ClinGen allele CA292212704.

ClinVar aggregate classification (germline): Uncertain significance. Review status: criteria provided, multiple submitters, no conflicts (2 of 4 stars). 2 submissions from 2 submitters: Uncertain significance (2). Last evaluated 2023-12-13.

Conditions:
Inborn genetic diseases. Identifiers: MedGen C0950123, MeSH D030342.

Allele frequency attached by ClinVar (database versions not stated): gnomAD exomes below 0.00001.
gnomAD v4.1: 6 of 1,614,134 alleles (0.00037%); highest among the groups gnomAD compares: Non-Finnish European, 0.00051%; no homozygotes.

Submissions (2):

Labcorp Genetics (formerly Invitae), Labcorp
Classification: Uncertain significance. Last evaluated: 2023-12-13. Review status: criteria provided, single submitter. Criteria: Invitae Variant Classification Sherloc (09022015). Collection method: clinical testing. Allele origin: germline.
Comment: This sequence change replaces serine, which is neutral and polar, with phenylalanine, which is neutral and non-polar, at codon 575 of the PPM1D protein (p.Ser575Phe). The frequency data for this variant in the population databases is considered unreliable, as metrics indicate poor data quality at this position in the gnomAD database. This variant has not been reported in the literature in individuals affected with PPM1D-related conditions. ClinVar contains an entry for this variant (Variation ID: 2485671). An algorithm developed to predict the effect of missense changes on protein structure and function (PolyPhen-2) suggests that this variant is likely to be disruptive. In summary, the available evidence is currently insufficient to determine the role of this variant in disease. Therefore, it has been classified as a Variant of Uncertain Significance.

Ambry Genetics
Classification: Uncertain significance for Inborn genetic diseases. Last evaluated: 2023-02-16. Review status: criteria provided, single submitter. Criteria: Ambry Variant Classification Scheme 2023. Collection method: clinical testing. Allele origin: germline.